The following is an entry in ClinVar:

NM_001243133.2(NLRP3):c.1445T>C (p.Phe482Ser)

Gene: NLRP3 (NLR family pyrin domain containing 3; plus strand). Cytogenetic location: 1q44.
Variant type: single nucleotide variant.
Coding change: c.1445T>C on transcript NM_001243133.2 (MANE Select); coding-DNA position 1445, T replaced by C.
Protein change: p.Phe482Ser; replaces phenylalanine 482 with serine.
Molecular consequence: missense variant.
Genome position (GRCh38, 1-based): chr1:247,424,894, T>C. VCF-style: chr1-247424894-T-C. GRCh37 (hg19) VCF-style: chr1-247588196-T-C.
Other names: c.1445T>C, p.Phe482Ser (NM_001079821.3, NM_001127461.3, NM_001127462.3 and 1 more transcripts); c.1451T>C, p.Phe484Ser (NM_004895.5); short protein forms F482S, F484S.
Identifiers: ClinVar variation 4809424 (VCV004809424.1).

ClinVar aggregate classification (germline): Uncertain significance (1 of 4 stars; one submission).

Conditions:
Cryopyrin associated periodic syndrome (CAPS). Identifiers: Orphanet 208650, MedGen C2316212, MONDO:0016168.

gnomAD v4.1: 1 of 1,610,776 alleles (0.000062%); highest among the groups gnomAD compares: Non-Finnish European, 0.000085%; no homozygotes.

Submission:

Labcorp Genetics (formerly Invitae), Labcorp
Classification: Uncertain significance for Cryopyrin associated periodic syndrome. Last evaluated: 2025-05-18. Review status: criteria provided, single submitter. Criteria: Invitae Variant Classification Sherloc (09022015). Collection method: clinical testing. Allele origin: germline.
Comment: This sequence change replaces phenylalanine, which is neutral and non-polar, with serine, which is neutral and polar, at codon 484 of the NLRP3 protein (p.Phe484Ser). This variant is not present in population databases (gnomAD no frequency). This variant has not been reported in the literature in individuals affected with NLRP3-related conditions. Invitae Evidence Modeling of protein sequence and biophysical properties (such as structural, functional, and spatial information, amino acid conservation, physicochemical variation, residue mobility, and thermodynamic stability) indicates that this missense variant is expected to disrupt NLRP3 protein function with a positive predictive value of 95%. In summary, the available evidence is currently insufficient to determine the role of this variant in disease. Therefore, it has been classified as a Variant of Uncertain Significance.